The following is an entry in ClinVar:

NM_001306080.2(LMO7):c.4771-10dup

Gene: LMO7 (LIM domain 7; plus strand). Cytogenetic location: 13q22.2.
Variant type: Duplication.
Coding change: c.4771-10dup on transcript NM_001306080.2 (MANE Select); 10 bases into the intron before coding-DNA position 4771, one base duplicated (T; older notation c.4771-10dupT).
Molecular consequence: intron variant.
Genome position (GRCh38, 1-based): chr13:75,856,496, T duplicated; the last of 10 consecutive T bases (chr13:75,856,487-75,856,496); duplicating any one gives the same sequence. VCF-style (leftmost placement, unchanged base first): chr13-75856486-C-CT. GRCh37 (hg19) VCF-style: chr13-76430622-C-CT.
Other names: c.3925-10dup (NM_005358.5); c.4536-10dup (NM_001366633.2); c.4072-10dup (NM_001330583.1); c.3963-10dup (NM_001366632.2, NM_015842.2); c.3790-10dup (NM_001366636.2, NM_001366634.2).
Identifiers: ClinVar variation 3056996 (VCV003056996.2), dbSNP rs751906309, ClinGen allele CA7006558.

ClinVar aggregate classification (germline): Likely benign (0 of 4 stars; one submission).

Conditions:
LMO7-related disorder. Also called: LMO7-related condition.

Submission:

PreventionGenetics, part of Exact Sciences
Classification: Likely benign for LMO7-related condition. Last evaluated: 2021-02-15. Review status: no assertion criteria provided. Collection method: clinical testing. Allele origin: germline.
Comment: This variant is classified as likely benign based on ACMG/AMP sequence variant interpretation guidelines (Richards et al. 2015 PMID: 25741868, with internal and published modifications).